The following is an entry in ClinVar:

ClinVar aggregate classification (germline): Pathogenic (1 of 4 stars; one submission).

Conditions:
Cardiac-urogenital syndrome (CUGS). Also called: MYRF-Related Cardiac Urogenital Syndrome. Identifiers: Orphanet 647811, MedGen C4748946, MONDO:0032653, OMIM 618280.

Submission:

Variantyx, Inc.
Classification: Pathogenic for Cardiac-urogenital syndrome. Last evaluated: 2025-11-04. Review status: criteria provided, single submitter. Criteria: Variantyx Assertion Criteria 2022. Collection method: clinical testing. Allele origin: de novo. Inheritance: Autosomal dominant inheritance. Affected: yes.
Comment: This is a frameshift variant in the MYRF gene (OMIM: 608329). Pathogenic variants in this gene have been associated with autosomal dominant cardiac-urogenital syndrome. This variant introduces a premature termination codon in exon 22 out of 27 and is expected to result in loss of function, which is a known disease mechanism for MYRF in this disorder (PMID: PMID: 31069960) (PVS1). This variant is absent from control populations (PM2). Based on the current evidence, this variant is classified as pathogenic for autosomal dominant cardiac-urogenital syndrome.

Literature cited by the submitters: PubMed 33179293; PubMed 31069960.

NM_001127392.3(MYRF):c.2904dup (p.Gln969fs)

Gene: MYRF (myelin regulatory factor; plus strand). Cytogenetic location: 11q12.2.
Variant type: Duplication.
Coding change: c.2904dup on transcript NM_001127392.3 (MANE Select); coding-DNA position 2904, one base duplicated (G; older notation c.2904dupG).
Protein change: p.Gln969fs; shifts the reading frame from glutamine 969.
Molecular consequence: frameshift variant.
Genome position (GRCh38, 1-based): chr11:61,781,712, G duplicated; the last of 6 consecutive G bases (chr11:61,781,707-61,781,712); duplicating any one gives the same sequence. VCF-style (leftmost placement, unchanged base first): chr11-61781706-T-TG. GRCh37 (hg19) VCF-style: chr11-61549178-T-TG.
Other names: c.2799dup, p.Gln934fs (NM_013279.4); short protein forms Q934fs, Q969fs.
Identifiers: ClinVar variation 4850139 (VCV004850139.1).
Genomic context (GRCh38, chr11:61,781,706, plus strand): 5'-TGGCCACTCCAAGCATCACAAGAGTCTGGAGCCTCTGGCCAGCCCTGCAGTCCCCTTCCC[T>TG]GGGGGGCAGGGCAAAGCCAAGAACAGTCCCAGCCTTGGTTTCCATGGCCGGGCCCGCCGA-3'